The following is an entry in ClinVar:

ClinVar aggregate classification (germline): Likely pathogenic (1 of 4 stars; one submission).

Conditions:
Primary ciliary dyskinesia. Also called: Ciliary dyskinesia. Identifiers: Orphanet 244, MedGen C0008780, MONDO:0016575, HP:0012265.

Submission:

Laboratory for Molecular Medicine, Mass General Brigham Personalized Medicine
Classification: Likely pathogenic for Primary ciliary dyskinesia. Last evaluated: 2016-06-28. Review status: criteria provided, single submitter. Criteria: LMM Criteria. Collection method: clinical testing. Allele origin: germline. Inheritance: Autosomal recessive inheritance. Observed: 1 variant allele.
Comment: The p.His76LeufsX15 variant in CCDC103 has not been reported in individuals with disease and was absent from large population studies. This variant is predicted to cause a frameshift, which alters the protein?s amino acid sequence beginning at position 76 and leads to a premature termination codon 15 amino acids downst ream. This alteration is then predicted to lead to a truncated or absent protein . Biallelic loss of function in the CCDC103 variant has been associated with pri mary ciliary dyskinesia (Panizzi 2012). In summary, although additional studies are required to fully establish its clinical significance, the p.His76LeufsX15 v ariant is likely pathogenic for primary ciliary dyskinesia in an autosomal reces sive manner.

Literature cited by the submitters: PubMed 22581229.

NM_213607.3(DNAAF19):c.223_226dup (p.His76fs)

Gene: DNAAF19 (dynein axonemal assembly factor 19; plus strand). Cytogenetic location: 17q21.31.
Variant type: Duplication.
Coding change: c.223_226dup on transcript NM_213607.3 (MANE Select); coding-DNA positions 223 to 226, 4 bases duplicated (TGTC; older notation c.223_226dupTGTC).
Protein change: p.His76fs; shifts the reading frame from histidine 76.
Molecular consequence: frameshift variant.
Genome position (GRCh38, 1-based): chr17:44,901,599-44,901,602, TGTC duplicated; duplicating any 4 consecutive bases within chr17:44,901,598-44,901,602 gives the same sequence; the c. name uses the placement nearest the transcript's 3' end. VCF-style (leftmost placement, unchanged base first): chr17-44901597-A-ACTGT. GRCh37 (hg19) VCF-style: chr17-42978965-A-ACTGT.
Other names: c.223_226dup, p.His76fs (NM_001258395.2, NM_001258396.2, NM_001258397.3 and 2 more transcripts); short protein forms H76fs.
Identifiers: ClinVar variation 667366 (VCV000667366.4), dbSNP rs1597843267, ClinGen allele CA915950152.